The following is an entry in ClinVar:

ClinVar aggregate classification (germline): Benign/Likely benign. Review status: criteria provided, multiple submitters, no conflicts (2 of 4 stars). 8 submissions from 8 submitters: Benign (4); Likely benign (1). 3 of the submissions do not count toward it. Last evaluated 2026-01-28.

Conditions:
Zellweger spectrum disorders (ZS). Also called: Zellweger Spectrum Disorder; Zellweger Spectrum; Zellweger syndrome; Zellweger Spectrum Disorder (ZSD). Identifiers: Orphanet 912, MedGen C0043459, MONDO:0019609.
Peroxisome biogenesis disorder 1B (PBD1B). Also called: PEROXISOME BIOGENESIS DISORDER (NALD/IRD); ADRENOLEUKODYSTROPHY, AUTOSOMAL NEONATAL; PEROXISOME BIOGENESIS DISORDER (NEONATAL ADRENOLEUKODYSTROPHY/INFANTILE REFSUM DISEASE); INFANTILE PHYTANIC ACID STORAGE DISEASE; Refsum disease, infantile form; Infantile Refsum disease. Identifiers: Orphanet 44, MedGen C0282527, MONDO:0011101, OMIM 601539.
Peroxisome biogenesis disorder 1A (Zellweger) (PBD1A). Also called: Peroxisome biogenesis disorder 1a; Zellweger leukodystrophy. Identifiers: MedGen C4721541, MONDO:0008953, OMIM 214100.
Heimler syndrome 1 (HMLR1). Also called: PEROXISOME BIOGENESIS DISORDER 1C. Identifiers: Orphanet 3220, MedGen C4551980, OMIM 234580, MONDO:0024544.

Allele frequency attached by ClinVar (database versions not stated): gnomAD exomes 0.00210; ExAC 0.00259; 1000 Genomes Project 30x 0.00703; 1000 Genomes Project 0.00759; gnomAD 0.00815 and 0.00874; ESP Exome Variant Server 0.00861; TOPMed 0.00876.
gnomAD v4.1: 2,364 of 1,613,316 alleles (0.15%); highest among the groups gnomAD compares: African/African-American, 2.7%; 39 homozygotes.

Submissions (8):

Labcorp Genetics (formerly Invitae), Labcorp
Classification: Benign for Zellweger spectrum disorders. Last evaluated: 2026-01-28. Review status: criteria provided, single submitter. Criteria: Invitae Variant Classification Sherloc (09022015). Collection method: clinical testing. Allele origin: germline.

Mayo Clinic Laboratories, Mayo Clinic
Classification: Benign. Last evaluated: 2023-05-18. Review status: criteria provided, single submitter. Criteria: ACMG Guidelines, 2015. Collection method: clinical testing. Allele origin: germline. Observed: 9 variant alleles.
Comment: BA1, BP4

Fulgent Genetics
Classification: Benign for Peroxisome biogenesis disorder 1A (Zellweger); Heimler syndrome 1; Peroxisome biogenesis disorder 1B. Last evaluated: 2021-07-27. Review status: criteria provided, single submitter. Criteria: ACMG Guidelines, 2015. Collection method: clinical testing. Allele origin: unknown.

GeneDx
Classification: Likely benign. Last evaluated: 2021-05-05. Review status: criteria provided, single submitter. Criteria: GeneDx Variant Classification Process June 2021. Collection method: clinical testing. Allele origin: germline. Affected: yes.
Comment: See Variant Classification Assertion Criteria.

Breakthrough Genomics
Classification: Benign. Review status: criteria provided, single submitter. Criteria: ACMG Guidelines, 2015. Collection method: not provided. Allele origin: germline. Inheritance: Autosomal recessive inheritance. Affected: yes.

Natera, Inc.
Classification: Benign for Zellweger Spectrum. Last evaluated: 2019-05-20. Review status: no assertion criteria provided. Collection method: clinical testing. Allele origin: germline. Not counted in ClinVar's aggregate classification.

Clinical Genetics DNA and cytogenetics Diagnostics Lab, Erasmus MC, Erasmus Medical Center
Classification: Benign. Review status: no assertion criteria provided. Collection method: clinical testing. Allele origin: germline. Affected: yes. Study: VKGL Data-share Consensus. Not counted in ClinVar's aggregate classification.

Laboratory of Diagnostic Genome Analysis, Leiden University Medical Center (LUMC)
Classification: Likely benign. Review status: no assertion criteria provided. Collection method: clinical testing. Allele origin: germline. Affected: yes. Study: VKGL Data-share Consensus. Not counted in ClinVar's aggregate classification.

NM_000466.3(PEX1):c.812A>G (p.Asn271Ser)

Gene: PEX1 (peroxisomal biogenesis factor 1; minus strand). Cytogenetic location: 7q21.2.
Variant type: single nucleotide variant.
Coding change: c.812A>G on transcript NM_000466.3 (MANE Select); coding-DNA position 812, A replaced by G.
Protein change: p.Asn271Ser; replaces asparagine 271 with serine.
Molecular consequence: missense variant.
Genome position (GRCh38, 1-based): chr7:92,517,703, T>C on the plus strand (A>G on the coding strand, the complement: PEX1 is on the minus strand). VCF-style: chr7-92517703-T-C. GRCh37 (hg19) VCF-style: chr7-92147017-T-C.
Other names: p.Asn271Ser; c.812A>G, p.Asn271Ser (NM_001282677.2); c.188A>G, p.Asn63Ser (NM_001282678.2); short protein forms N271S, N63S.
Identifiers: ClinVar variation 785435 (VCV000785435.20), dbSNP rs138183109, ClinGen allele CA4341534.